The following is an entry in ClinVar:

NM_024876.4(COQ8B):c.33del (p.Thr12fs)

Gene: COQ8B (coenzyme Q8B; minus strand). Cytogenetic location: 19q13.2.
Variant type: Deletion.
Coding change: c.33del on transcript NM_024876.4 (MANE Select); coding-DNA position 33, one base deleted (G; older notation c.33delG).
Protein change: p.Thr12fs; shifts the reading frame from threonine 12.
Molecular consequence: frameshift variant.
Genome position (GRCh38, 1-based): chr19:40,714,600, C deleted on the plus strand (G on the coding strand, the reverse complement: COQ8B is on the minus strand); the first of 5 consecutive C bases (chr19:40,714,600-40,714,604); deleting any one gives the same sequence. VCF-style (leftmost placement, unchanged base first): chr19-40714599-TC-T. GRCh37 (hg19) VCF-style: chr19-41220504-TC-T.
Other names: c.33del, p.Thr12fs (NM_001142555.3); short protein forms T12fs.
Identifiers: ClinVar variation 2681743 (VCV002681743.2), dbSNP rs2082170216.

ClinVar aggregate classification (germline): Pathogenic (1 of 4 stars; one submission).

Conditions:
Nephrotic syndrome, type 9 (NPHS9). Identifiers: Orphanet 656, MedGen C3809965, MONDO:0014257, OMIM 615573.

Submission:

Precision Medicine Center, Zhengzhou University
Classification: Pathogenic for Nephrotic syndrome, type 9. Last evaluated: 2023-12-01. Review status: criteria provided, single submitter. Criteria: ACMG Guidelines, 2015. Collection method: clinical testing. Allele origin: paternal. Affected: yes.
Comment: PVS1,PM2_p,PM3